The following is an entry in ClinVar:

NM_004281.4(BAG3):c.1307A>T (p.Glu436Val)

Gene: BAG3 (BAG cochaperone 3; plus strand). Cytogenetic location: 10q26.11.
Variant type: single nucleotide variant.
Coding change: c.1307A>T on transcript NM_004281.4 (MANE Select); coding-DNA position 1307, A replaced by T.
Protein change: p.Glu436Val; replaces glutamic acid 436 with valine.
Molecular consequence: missense variant.
Genome position (GRCh38, 1-based): chr10:119,676,861, A>T. VCF-style: chr10-119676861-A-T. GRCh37 (hg19) VCF-style: chr10-121436373-A-T.
Other names: short protein forms E436V.
Identifiers: ClinVar variation 3754691 (VCV003754691.2).

ClinVar aggregate classification (germline): Uncertain significance (1 of 4 stars; one submission).

Conditions:
Dilated cardiomyopathy 1HH (CMD1HH). Identifiers: Orphanet 154, MedGen C3151293, MONDO:0013479, OMIM 613881.
Myofibrillar myopathy 6. Identifiers: Orphanet 199340, MedGen C2751831, MONDO:0013061, OMIM 612954.

Submission:

Labcorp Genetics (formerly Invitae), Labcorp
Classification: Uncertain significance for Dilated cardiomyopathy 1HH; Myofibrillar myopathy 6. Last evaluated: 2024-02-16. Review status: criteria provided, single submitter. Criteria: Invitae Variant Classification Sherloc (09022015). Collection method: clinical testing. Allele origin: germline.
Comment: This sequence change replaces glutamic acid, which is acidic and polar, with valine, which is neutral and non-polar, at codon 436 of the BAG3 protein (p.Glu436Val). This variant is not present in population databases (gnomAD no frequency). This variant has not been reported in the literature in individuals affected with BAG3-related conditions. Advanced modeling of protein sequence and biophysical properties (such as structural, functional, and spatial information, amino acid conservation, physicochemical variation, residue mobility, and thermodynamic stability) has been performed at Invitae for this missense variant, however the output from this modeling did not meet the statistical confidence thresholds required to predict the impact of this variant on BAG3 protein function. In summary, the available evidence is currently insufficient to determine the role of this variant in disease. Therefore, it has been classified as a Variant of Uncertain Significance.